The following is an entry in ClinVar:

NM_001005361.3(DNM2):c.1385C>T (p.Thr462Ile)

Gene: DNM2 (dynamin 2; plus strand). Cytogenetic location: 19p13.2.
Variant type: single nucleotide variant.
Coding change: c.1385C>T on transcript NM_001005361.3 (MANE Select); coding-DNA position 1385, C replaced by T.
Protein change: p.Thr462Ile; replaces threonine 462 with isoleucine.
Molecular consequence: missense variant.
Genome position (GRCh38, 1-based): chr19:10,798,535, C>T. VCF-style: chr19-10798535-C-T. GRCh37 (hg19) VCF-style: chr19-10909211-C-T.
Other names: c.1385C>T, p.Thr462Ile (NM_001005360.3, NM_001005362.3, NM_001190716.2 and 1 more transcripts); short protein forms T462I.
Identifiers: ClinVar variation 2908600 (VCV002908600.3), dbSNP rs1331490303, ClinGen allele CA404049611.

ClinVar aggregate classification (germline): Uncertain significance (1 of 4 stars; one submission).

Conditions:
Charcot-Marie-Tooth disease dominant intermediate B (CMTDIB). Also called: CHARCOT-MARIE-TOOTH NEUROPATHY, DOMINANT INTERMEDIATE B; Charcot-Marie-Tooth disease dominant intermediate 1; CMT DI1; Charcot-Marie-Tooth disease dominant intermediate I. Identifiers: Orphanet 100044, Orphanet 228179, MedGen C1847902, MONDO:0011674, OMIM 606482.

Allele frequency attached by ClinVar (database versions not stated): gnomAD exomes below 0.00001; TOPMed below 0.00001; gnomAD 0.00001.
gnomAD v4.1: 3 of 1,614,110 alleles (0.00019%); highest among the groups gnomAD compares: Non-Finnish European, 0.00025%; no homozygotes.

Submission:

Labcorp Genetics (formerly Invitae), Labcorp
Classification: Uncertain significance for Charcot-Marie-Tooth disease dominant intermediate B. Last evaluated: 2024-03-12. Review status: criteria provided, single submitter. Criteria: Invitae Variant Classification Sherloc (09022015). Collection method: clinical testing. Allele origin: germline.
Comment: This sequence change replaces threonine, which is neutral and polar, with isoleucine, which is neutral and non-polar, at codon 462 of the DNM2 protein (p.Thr462Ile). This variant is present in population databases (no rsID available, gnomAD 0.007%). This variant has not been reported in the literature in individuals affected with DNM2-related conditions. Advanced modeling of protein sequence and biophysical properties (such as structural, functional, and spatial information, amino acid conservation, physicochemical variation, residue mobility, and thermodynamic stability) has been performed at Invitae for this missense variant, however the output from this modeling did not meet the statistical confidence thresholds required to predict the impact of this variant on DNM2 protein function. In summary, the available evidence is currently insufficient to determine the role of this variant in disease. Therefore, it has been classified as a Variant of Uncertain Significance.